The following is an entry in ClinVar:

ClinVar aggregate classification (germline): Likely benign. Review status: criteria provided, multiple submitters, no conflicts (2 of 4 stars). 2 submissions from 2 submitters: Likely benign (2). Last evaluated 2026-10-20.

Conditions:
Myeloproliferative neoplasm. Identifiers: Orphanet 98274, MedGen C1292778, MONDO:0020076.

Allele frequency attached by ClinVar (database versions not stated): TOPMed 0.00575; 1000 Genomes Project 0.01118; 1000 Genomes Project 30x 0.01187; gnomAD 0.00459.

Submissions (2):

Dept of Medical Biology, Uskudar University
Classification: Likely benign for Myeloproliferative neoplasm. Last evaluated: 2026-10-20. Review status: criteria provided, single submitter. Criteria: Dept of Medical Biology Variant Classification. Collection method: research. Allele origin: germline. Affected: yes. Observed: 4 variant alleles.
Comment: Variant in the CALR promoter: c.-79C>T relative to the A of the NM_004343.4 translation start codon, upstream of the annotated transcription start (c.-71) and therefore described by genomic coordinates, NC_000019.10:g.12938601C>T. BS1: allele frequency 3.5e-02 in the East Asian population and 4.5e-03 overall in gnomAD v4.1. BP6: classified as likely benign in ClinVar (VCV002501571). The classification remains likely benign without BP6 under the point-based framework. Detected in four patients. BS1 was applied at full strength where the gnomAD v4.1 grpmax filtering allele frequency exceeds 2.5e-04 (PMID:28518168) and at supporting strength where only the unfiltered population frequency does. Classified as likely benign under the ACMG/AMP 2015 guidelines (PMID:25741868). Detected in a retrospective series of 256 BCR::ABL1-negative and JAK2 V617F-negative patients referred for molecular investigation of a suspected myeloproliferative neoplasm (May 2007 to January 2015) and re-interpreted under the ACMG/AMP 2015 criteria.

GeneDx
Classification: Likely benign. Last evaluated: 2018-11-10. Review status: criteria provided, single submitter. Criteria: GeneDx Variant Classification Process June 2021. Collection method: clinical testing. Allele origin: germline. Affected: yes.
Comment: See Variant Classification Assertion Criteria.

NM_004343.3(CALR):c.-79C>T

Genes: CALR (calreticulin; plus strand), LOC117125596 (CRISPRi-FlowFISH-validated RAD23A regulatory element 2; plus strand). Cytogenetic location: 19p13.13.
Variant type: single nucleotide variant.
Coding change: c.-79C>T on transcript NM_004343.3; 79 bases upstream of the start codon, C replaced by T.
Genome position (GRCh38, 1-based): chr19:12,938,601, C>T. VCF-style: chr19-12938601-C-T. GRCh37 (hg19) VCF-style: chr19-13049415-C-T.
Other names: CALR c.-79C>T.
Identifiers: ClinVar variation 2501571 (VCV002501571.2), dbSNP rs28365950, ClinGen allele CA305512887.